The following is an entry in ClinVar:

ClinVar aggregate classification (germline): Uncertain significance (1 of 4 stars; one submission).

Conditions:
Developmental and epileptic encephalopathy, 1 (DEE1). Also called: X-linked infantile spasms; West's syndrome; Tonic spasms with clustering, arrest of psychomotor development and hypsarrhythmia on EEG; X-Linked Infantile Spasm Syndrome; OHTAHARA SYNDROME, X-LINKED; INFANTILE SPASM SYNDROME, X-LINKED 1. Identifiers: MedGen C3463992, MONDO:0010632, OMIM 308350. Disease mechanism: loss of function.
Intellectual disability, X-linked, with or without seizures, ARX-related. Also called: INTELLECTUAL DEVELOPMENTAL DISORDER, X-LINKED 29; Mental retardation, X-linked 52; MENTAL RETARDATION, X-LINKED 29; MENTAL RETARDATION, X-LINKED 32; MENTAL RETARDATION, X-LINKED 33; MENTAL RETARDATION, X-LINKED 38. Identifiers: Orphanet 777, MedGen C0796244, MONDO:0010317, OMIM 300419.

Submission:

Labcorp Genetics (formerly Invitae), Labcorp
Classification: Uncertain significance for Developmental and epileptic encephalopathy, 1; Intellectual disability, X-linked, with or without seizures, ARX-related. Last evaluated: 2021-06-24. Review status: criteria provided, single submitter. Criteria: Invitae Variant Classification Sherloc (09022015). Collection method: clinical testing. Allele origin: germline.
Comment: In summary, the available evidence is currently insufficient to determine the role of this variant in disease. Therefore, it has been classified as a Variant of Uncertain Significance. Advanced modeling of protein sequence and biophysical properties (such as structural, functional, and spatial information, amino acid conservation, physicochemical variation, residue mobility, and thermodynamic stability) performed at Invitae indicates that this missense variant is not expected to disrupt ARX protein function. This variant has not been reported in the literature in individuals with ARX-related conditions. The frequency data for this variant in the population databases is considered unreliable, as metrics indicate insufficient coverage at this position in the ExAC database. This sequence change replaces valine with leucine at codon 207 of the ARX protein (p.Val207Leu). The valine residue is weakly conserved and there is a small physicochemical difference between valine and leucine.

NM_139058.3(ARX):c.619G>T (p.Val207Leu)

Gene: ARX (aristaless related homeobox; minus strand). Cytogenetic location: Xp21.3.
Variant type: single nucleotide variant.
Coding change: c.619G>T on transcript NM_139058.3 (MANE Select); coding-DNA position 619, G replaced by T.
Protein change: p.Val207Leu; replaces valine 207 with leucine.
Molecular consequence: missense variant.
Genome position (GRCh38, 1-based): chrX:25,013,376, C>A on the plus strand (G>T on the coding strand, the complement: ARX is on the minus strand). VCF-style: chrX-25013376-C-A. GRCh37 (hg19) VCF-style: chrX-25031493-C-A.
Other names: short protein forms V207L.
Identifiers: ClinVar variation 1479803 (VCV001479803.8), dbSNP rs1276718018, ClinGen allele CA412612794.